The following is an entry in ClinVar:

NM_015488.5(PNKD):c.653G>A (p.Arg218Gln)

Genes: CATIP-AS2 (CATIP antisense RNA 2; minus strand), PNKD (PNKD metallo-beta-lactamase domain containing; plus strand). Cytogenetic location: 2q35.
Variant type: single nucleotide variant.
Coding change: c.653G>A on transcript NM_015488.5 (MANE Select); coding-DNA position 653, G replaced by A.
Protein change: p.Arg218Gln; replaces arginine 218 with glutamine.
Molecular consequence: missense variant.
Genome position (GRCh38, 1-based): chr2:218,342,016, G>A. VCF-style: chr2-218342016-G-A. GRCh37 (hg19) VCF-style: chr2-219206739-G-A.
Other names: c.581G>A, p.Arg194Gln (NM_022572.5); short protein forms R218Q, R194Q.
Identifiers: ClinVar variation 334324 (VCV000334324.15), dbSNP rs746884706, ClinGen allele CA2104056.

ClinVar aggregate classification (germline): Benign/Likely benign. Review status: criteria provided, multiple submitters, no conflicts (2 of 4 stars). 2 submissions from 2 submitters: Benign (1); Likely benign (1). Last evaluated 2026-01-24.

Conditions:
Paroxysmal nonkinesigenic dyskinesia. Also called: Paroxysmal non-kinesigenic dyskinesia. Identifiers: Orphanet 98810, MedGen C1869117, MONDO:0700088.
Paroxysmal nonkinesigenic dyskinesia 1 (PNKD1). Also called: Nonkinesigenic choreoathetosis; Familial paroxysmal choreoathetosis; DYSTONIA 8; Familial Paroxysmal Nonkinesigenic Dyskinesia; MOUNT-REBACK SYNDROME; PxMD-PNKD. Identifiers: Orphanet 98810, MedGen C4551506, MONDO:0700089, OMIM 118800, MONDO:0007326.

Allele frequency attached by ClinVar (database versions not stated): gnomAD 0.00006; gnomAD exomes 0.00006 and 0.00014; TOPMed 0.00009; ExAC 0.00014.
gnomAD v4.1: 96 of 1,613,608 alleles (0.0059%); highest among the groups gnomAD compares: Admixed American, 0.053%; 1 homozygote.

Submissions (2):

Labcorp Genetics (formerly Invitae), Labcorp
Classification: Likely benign for Paroxysmal nonkinesigenic dyskinesia. Last evaluated: 2026-01-24. Review status: criteria provided, single submitter. Criteria: Invitae Variant Classification Sherloc (09022015). Collection method: clinical testing. Allele origin: germline.

Illumina Laboratory Services, Illumina
Classification: Benign for Paroxysmal nonkinesigenic dyskinesia 1. Last evaluated: 2018-01-12. Review status: criteria provided, single submitter. Criteria: ICSL Variant Classification Criteria 13 December 2019. Collection method: clinical testing. Allele origin: germline.
Comment: This variant was observed in the ICSL laboratory as part of a predisposition screen in an ostensibly healthy population. It had not been previously curated by ICSL or reported in the Human Gene Mutation Database (HGMD: prior to June 1st, 2018), and was therefore a candidate for classification through an automated scoring system. Utilizing variant allele frequency, disease prevalence and penetrance estimates, and inheritance mode, an automated score was calculated to assess if this variant is too frequent to cause the disease. Based on the score and internal cut-off values, a variant classified as benign is not then subjected to further curation. The score for this variant resulted in a classification of benign for this disease.